The following is an entry in ClinVar:

ClinVar aggregate classification (germline): Likely benign. Review status: criteria provided, multiple submitters, no conflicts (2 of 4 stars). 2 submissions from 2 submitters: Likely benign (2). Last evaluated 2026-06-01.

Allele frequency attached by ClinVar (database versions not stated): ExAC 0.00012.

Submissions (2):

CeGaT Center for Human Genetics Tuebingen
Classification: Likely benign. Last evaluated: 2026-06-01. Review status: criteria provided, single submitter. Criteria: CeGaT Center For Human Genetics Tuebingen Variant Classification Criteria Version 2. Collection method: clinical testing. Allele origin: germline. Affected: yes. Observed: 1 variant allele.
Comment: AHNAK2: BP4

Ambry Genetics
Classification: Likely benign. Last evaluated: 2021-10-05. Review status: criteria provided, single submitter. Criteria: Ambry Variant Classification Scheme 2023. Collection method: clinical testing. Allele origin: germline.

NM_138420.4(AHNAK2):c.6665T>C (p.Leu2222Pro)

Gene: AHNAK2 (AHNAK nucleoprotein 2; minus strand). Cytogenetic location: 14q32.33.
Variant type: single nucleotide variant.
Coding change: c.6665T>C on transcript NM_138420.4 (MANE Select); coding-DNA position 6665, T replaced by C.
Protein change: p.Leu2222Pro; replaces leucine 2222 with proline.
Molecular consequence: missense variant.
Genome position (GRCh38, 1-based): chr14:104,948,786, A>G on the plus strand (T>C on the coding strand, the complement: AHNAK2 is on the minus strand). VCF-style: chr14-104948786-A-G. GRCh37 (hg19) VCF-style: chr14-105415123-A-G.
Other names: c.6365T>C, p.Leu2122Pro (NM_001350929.2); short protein forms L2122P, L2222P.
Identifiers: ClinVar variation 3101443 (VCV003101443.3), dbSNP rs757022688, ClinGen allele CA7380988.